The following is an entry in ClinVar:

NM_001308120.2(TOGARAM1):c.3505-5T>C

Gene: TOGARAM1 (TOG array regulator of axonemal microtubules 1; plus strand). Cytogenetic location: 14q21.2.
Variant type: single nucleotide variant.
Coding change: c.3505-5T>C on transcript NM_001308120.2 (MANE Select); 5 bases into the intron before coding-DNA position 3505, T replaced by C.
Molecular consequence: intron variant.
Genome position (GRCh38, 1-based): chr14:45,028,171, T>C. VCF-style: chr14-45028171-T-C. GRCh37 (hg19) VCF-style: chr14-45497374-T-C.
Other names: c.3505-5T>C (NM_015091.4).
Identifiers: ClinVar variation 3366319 (VCV003366319.1).

ClinVar aggregate classification (germline): Uncertain significance (1 of 4 stars; one submission).

gnomAD v4.1: 10 of 1,559,790 alleles (0.00064%); highest among the groups gnomAD compares: African/African-American, 0.007%; no homozygotes.

Submission:

Women's Health and Genetics/Laboratory Corporation of America, LabCorp
Classification: Uncertain significance. Last evaluated: 2024-08-12. Review status: criteria provided, single submitter. Criteria: LabCorp Variant Classification Summary - May 2015. Collection method: clinical testing. Allele origin: germline.
Comment: Variant summary: TOGARAM1 c.3505-5T>C alters a conserved nucleotide located close to a canonical splice site and therefore could affect mRNA splicing, leading to a significantly altered protein sequence. Consensus agreement among computation tools predict no significant impact on normal splicing. However, these predictions have yet to be confirmed by functional studies. The variant allele was found at a frequency of 2.1e-05 in 240532 control chromosomes. The available data on variant occurrences in the general population are insufficient to allow any conclusion about variant significance. To our knowledge, no occurrence of c.3505-5T>C in individuals affected with Joubert Syndrome 37 and no experimental evidence demonstrating its impact on protein function have been reported. No submitters have cited clinical-significance assessments for this variant to ClinVar. Based on the evidence outlined above, the variant was classified as uncertain significance.